The following is an entry in ClinVar:

NM_015909.4(NBAS):c.2275A>G (p.Ile759Val)

Gene: NBAS (NBAS subunit of NRZ tethering complex; minus strand). Cytogenetic location: 2p24.3.
Variant type: single nucleotide variant.
Coding change: c.2275A>G on transcript NM_015909.4 (MANE Select); coding-DNA position 2275, A replaced by G.
Protein change: p.Ile759Val; replaces isoleucine 759 with valine.
Molecular consequence: missense variant. On other transcripts: non-coding transcript variant (1).
Genome position (GRCh38, 1-based): chr2:15,461,265, T>C on the plus strand (A>G on the coding strand, the complement: NBAS is on the minus strand). VCF-style: chr2-15461265-T-C. GRCh37 (hg19) VCF-style: chr2-15601389-T-C.
Other names: short protein forms I759V.
Identifiers: ClinVar variation 1946926 (VCV001946926.5), dbSNP rs752709173, ClinGen allele CA1536416.

ClinVar aggregate classification (germline): Uncertain significance (1 of 4 stars; one submission).

Allele frequency attached by ClinVar (database versions not stated): gnomAD exomes below 0.00001; ExAC 0.00001.
gnomAD v4.1: 2 of 1,613,694 alleles (0.00012%); highest among the groups gnomAD compares: Non-Finnish European, 0.00017%; no homozygotes.

Submission:

Labcorp Genetics (formerly Invitae), Labcorp
Classification: Uncertain significance. Last evaluated: 2023-06-30. Review status: criteria provided, single submitter. Criteria: Invitae Variant Classification Sherloc (09022015). Collection method: clinical testing. Allele origin: germline.
Comment: This sequence change replaces isoleucine, which is neutral and non-polar, with valine, which is neutral and non-polar, at codon 759 of the NBAS protein (p.Ile759Val). This variant is present in population databases (rs752709173, gnomAD 0.0009%). This variant has not been reported in the literature in individuals affected with NBAS-related conditions. ClinVar contains an entry for this variant (Variation ID: 1946926). Advanced modeling of protein sequence and biophysical properties (such as structural, functional, and spatial information, amino acid conservation, physicochemical variation, residue mobility, and thermodynamic stability) performed at Invitae indicates that this missense variant is not expected to disrupt NBAS protein function. In summary, the available evidence is currently insufficient to determine the role of this variant in disease. Therefore, it has been classified as a Variant of Uncertain Significance.